The following is an entry in ClinVar:

NM_182894.3(VSX2):c.*670G>A

Gene: VSX2 (visual system homeobox 2; plus strand). Cytogenetic location: 14q24.3.
Variant type: single nucleotide variant.
Coding change: c.*670G>A on transcript NM_182894.3 (MANE Select); 670 bases downstream of the stop codon, G replaced by A.
Molecular consequence: 3 prime UTR variant.
Genome position (GRCh38, 1-based): chr14:74,261,589, G>A. VCF-style: chr14-74261589-G-A. GRCh37 (hg19) VCF-style: chr14-74728292-G-A.
Identifiers: ClinVar variation 314214 (VCV000314214.5), dbSNP rs45556237, ClinGen allele CA10644847.

ClinVar aggregate classification (germline): Benign/Likely benign. Review status: criteria provided, single submitter (1 of 4 stars). 2 submissions from 1 submitter: Benign (1); Likely benign (1). Last evaluated 2018-01-13.

Conditions:
Isolated microphthalmia 2. Identifiers: Orphanet 2542, MedGen C1864720, MONDO:0012409, OMIM 610093.
Microphthalmia, isolated, with coloboma 3 (MCOPCB3). Also called: MICROPHTHALMIA/COLOBOMA 3; MICROPHTHALMIA, COLOBOMATOUS, 3. Identifiers: Orphanet 98938, MedGen C1864721, MONDO:0012408, OMIM 610092.

Allele frequency attached by ClinVar (database versions not stated): gnomAD 0.03222 and 0.03401; gnomAD exomes 0.00648; 1000 Genomes Project 30x 0.03123; TOPMed 0.03494; 1000 Genomes Project 0.02915.

Submissions (2):

Illumina Laboratory Services, Illumina
Classification: Likely benign for Microphthalmia, isolated, with coloboma 3. Last evaluated: 2018-01-13. Review status: criteria provided, single submitter. Criteria: ICSL Variant Classification Criteria 13 December 2019. Collection method: clinical testing. Allele origin: germline.
Comment: This variant was observed in the ICSL laboratory as part of a predisposition screen in an ostensibly healthy population. It had not been previously curated by ICSL or reported in the Human Gene Mutation Database (HGMD: prior to June 1st, 2018), and was therefore a candidate for classification through an automated scoring system. Utilizing variant allele frequency, disease prevalence and penetrance estimates, and inheritance mode, an automated score was calculated to assess if this variant is too frequent to cause the disease. Based on the score and internal cut-off values, a variant classified as likely benign is not then subjected to further curation. The score for this variant resulted in a classification of likely benign for this disease.

Illumina Laboratory Services, Illumina
Classification: Benign for Isolated microphthalmia 2. Last evaluated: 2018-01-13. Review status: criteria provided, single submitter. Criteria: ICSL Variant Classification Criteria 13 December 2019. Collection method: clinical testing. Allele origin: germline.
Comment: This variant was observed in the ICSL laboratory as part of a predisposition screen in an ostensibly healthy population. It had not been previously curated by ICSL or reported in the Human Gene Mutation Database (HGMD: prior to June 1st, 2018), and was therefore a candidate for classification through an automated scoring system. Utilizing variant allele frequency, disease prevalence and penetrance estimates, and inheritance mode, an automated score was calculated to assess if this variant is too frequent to cause the disease. Based on the score and internal cut-off values, a variant classified as benign is not then subjected to further curation. The score for this variant resulted in a classification of benign for this disease.